The following is an entry in ClinVar:

NM_001042492.3(NF1):c.4681A>T (p.Ser1561Cys)

Gene: NF1 (neurofibromin 1; plus strand). Cytogenetic location: 17q11.2.
Variant type: single nucleotide variant.
Coding change: c.4681A>T on transcript NM_001042492.3 (MANE Select); coding-DNA position 4681, A replaced by T.
Protein change: p.Ser1561Cys; replaces serine 1561 with cysteine.
Molecular consequence: missense variant.
Genome position (GRCh38, 1-based): chr17:31,261,814, A>T. VCF-style: chr17-31261814-A-T. GRCh37 (hg19) VCF-style: chr17-29588832-A-T.
Other names: c.4618A>T, p.Ser1540Cys (NM_000267.4); short protein forms S1540C, S1561C.
Identifiers: ClinVar variation 1051534 (VCV001051534.3), dbSNP rs2151466435, ClinGen allele CA399000499.
Genomic context (GRCh38, chr17:31,261,814, plus strand): 5'-ACACTTCTTGCATACCTGGGTCCTCCAGAGCACAAACCTGTGGCAGATACACACTGGTCC[A>T]GCCTTAACCTTACCAGTTCAAAGTTTGAGGAATTTATGACTAGGTAAAGTACAACCTTGA-3'
Protein context (NP_001035957.1, residues 1551-1571): HKPVADTHWS[Ser1561Cys]LNLTSSKFEE

ClinVar aggregate classification (germline): Uncertain significance (1 of 4 stars; one submission).

Conditions:
Neurofibromatosis, type 1 (NF1). Also called: Peripheral type neurofibromatosis; Neurofibromatosis, type I; VON RECKLINGHAUSEN DISEASE; NEUROFIBROMATOSIS, TYPE I, SOMATIC. Identifiers: Orphanet 636, MedGen C0027831, MONDO:0018975, OMIM 162200. Disease mechanism: loss of function.

Submission:

Labcorp Genetics (formerly Invitae), Labcorp
Classification: Uncertain significance for Neurofibromatosis, type 1. Last evaluated: 2026-01-01. Review status: criteria provided, single submitter. Criteria: Invitae Variant Classification Sherloc (09022015). Collection method: clinical testing. Allele origin: germline.
Comment: This sequence change replaces serine, which is neutral and polar, with cysteine, which is neutral and slightly polar, at codon 1540 of the NF1 protein (p.Ser1540Cys). This variant is not present in population databases (gnomAD no frequency). This variant has not been reported in the literature in individuals affected with NF1-related conditions. ClinVar contains an entry for this variant (Variation ID: 1051534). Invitae Evidence Modeling of protein sequence and biophysical properties (such as structural, functional, and spatial information, amino acid conservation, physicochemical variation, residue mobility, and thermodynamic stability) indicates that this missense variant is expected to disrupt NF1 protein function with a positive predictive value of 95%. In summary, the available evidence is currently insufficient to determine the role of this variant in disease. Therefore, it has been classified as a Variant of Uncertain Significance.